The following is an entry in ClinVar:

NM_021098.3(CACNA1H):c.4318_4319delinsGC (p.Phe1440Ala)

Gene: CACNA1H (calcium voltage-gated channel subunit alpha1 H; plus strand). Cytogenetic location: 16p13.3.
Variant type: Indel.
Coding change: c.4318_4319delinsGC on transcript NM_021098.3 (MANE Select); coding-DNA positions 4318 to 4319, TT replaced by GC.
Protein change: p.Phe1440Ala; replaces phenylalanine 1440 with alanine.
Molecular consequence: missense variant.
Genome position (GRCh38, 1-based): chr16:1,211,262-1,211,263, TT replaced by GC. VCF-style: chr16-1211262-TT-GC. GRCh37 (hg19) VCF-style: chr16-1261262-TT-GC.
Other names: c.4318_4319delinsGC, p.Phe1440Ala (NM_001005407.2); short protein forms F1440A.
Identifiers: ClinVar variation 573104 (VCV000573104.9), dbSNP rs1567541260, ClinGen allele CA891843626.

ClinVar aggregate classification (germline): Uncertain significance. Review status: criteria provided, multiple submitters, no conflicts (2 of 4 stars). 2 submissions from 2 submitters: Uncertain significance (2). Last evaluated 2024-04-17.

Conditions:
Hyperaldosteronism, familial, type IV (HALD4). Also called: FH IV; ALDOSTERONISM, PRIMARY, AND HYPERTENSION. Identifiers: Orphanet 642671, MedGen C4310756, MONDO:0014875, OMIM 617027.
Epilepsy, childhood absence, susceptibility to, 6. Identifiers: Orphanet 64280, MedGen C2749872, MONDO:0012763, OMIM 611942.
Idiopathic generalized epilepsy. Also called: Generalised epilepsy; EIG. Identifiers: MedGen C0270850, MONDO:0005579, OMIM 600669.

Submissions (2):

Labcorp Genetics (formerly Invitae), Labcorp
Classification: Uncertain significance for Idiopathic generalized epilepsy; Hyperaldosteronism, familial, type IV. Last evaluated: 2024-04-17. Review status: criteria provided, single submitter. Criteria: Invitae Variant Classification Sherloc (09022015). Collection method: clinical testing. Allele origin: germline.
Comment: This sequence change replaces phenylalanine, which is neutral and non-polar, with alanine, which is neutral and non-polar, at codon 1440 of the CACNA1H protein (p.Phe1440Ala). The frequency data for this variant in the population databases is considered unreliable, as metrics indicate poor data quality at this position in the gnomAD database. This variant has not been reported in the literature in individuals affected with CACNA1H-related conditions. ClinVar contains an entry for this variant (Variation ID: 573104). An algorithm developed to predict the effect of missense changes on protein structure and function (PolyPhen-2) suggests that this variant is likely to be disruptive. In summary, the available evidence is currently insufficient to determine the role of this variant in disease. Therefore, it has been classified as a Variant of Uncertain Significance.

Fulgent Genetics
Classification: Uncertain significance for Epilepsy, childhood absence, susceptibility to, 6; Hyperaldosteronism, familial, type IV. Last evaluated: 2023-12-27. Review status: criteria provided, single submitter. Criteria: ACMG Guidelines, 2015. Collection method: clinical testing. Allele origin: germline.